The following is an entry in ClinVar:

ClinVar aggregate classification (germline): Pathogenic (1 of 4 stars; one submission).

Conditions:
Ehlers-Danlos syndrome, classic type (cEDS). Identifiers: Orphanet 287, MedGen C4225429, MONDO:0007522.

Submission:

Labcorp Genetics (formerly Invitae), Labcorp
Classification: Pathogenic for Ehlers-Danlos syndrome, classic type, 1. Last evaluated: 2016-05-20. Review status: criteria provided, single submitter. Criteria: Invitae Variant Classification Sherloc (09022015). Collection method: clinical testing. Allele origin: germline.
Comment: This variant is a gross deletion of the genomic region encompassing exons 4-65 of the COL5A1 gene. This creates a premature translational stop signal and is expected to result in an absent or disrupted protein product. While this particular variant has not been reported in the literature, truncating variants in COL5A1 are known to be pathogenic (PMID: 23587214). For these reasons, this variant has been classified as Pathogenic.

NC_000009.12:g.(?_134701171)_(134835204_?)del

Genes: COL5A1 (collagen type V alpha 1 chain; plus strand), LOC101448202 (uncharacterized LOC101448202; minus strand), LOC130002964 (ATAC-STARR-seq lymphoblastoid active region 29286; plus strand). Cytogenetic location: 9q34.3.
Variant type: Deletion.
Identifiers: ClinVar variation 417456 (VCV000417456.3).